The following is an entry in ClinVar:

NM_020937.4(FANCM):c.3514C>G (p.Leu1172Val)

Gene: FANCM (FA complementation group M; plus strand). Cytogenetic location: 14q21.2.
Variant type: single nucleotide variant.
Coding change: c.3514C>G on transcript NM_020937.4 (MANE Select); coding-DNA position 3514, C replaced by G.
Protein change: p.Leu1172Val; replaces leucine 1172 with valine.
Molecular consequence: missense variant.
Genome position (GRCh38, 1-based): chr14:45,176,268, C>G. VCF-style: chr14-45176268-C-G. GRCh37 (hg19) VCF-style: chr14-45645471-C-G.
Other names: c.3436C>G, p.Leu1146Val (NM_001308133.2); short protein forms L1146V, L1172V.
Identifiers: ClinVar variation 946027 (VCV000946027.9), dbSNP rs774361836, ClinGen allele CA7169523.
Genomic context (GRCh38, chr14:45,176,268, plus strand): 5'-TTGAACAGTAAAAGCGAATCTTTACCTGTGTCAGACAAAACTGCTATTAGTGAAACGCCT[C>G]TGGTCTCTCAGTTCTTAATTTCTGATGAACTTTTGTTGGACAATAATTCTGAACTCCAAG-3'
Protein context (NP_065988.1, residues 1162-1182): SDKTAISETP[Leu1172Val]VSQFLISDEL

ClinVar aggregate classification (germline): Uncertain significance (1 of 4 stars; one submission).

Conditions:
Fanconi anemia (FA). Also called: Fanconi's anemia. Identifiers: Orphanet 84, MedGen C0015625, MeSH D005199, MONDO:0019391.

Allele frequency attached by ClinVar (database versions not stated): gnomAD exomes below 0.00001; TOPMed below 0.00001; ExAC 0.00001.
gnomAD v4.1: 1 of 1,614,052 alleles (0.000062%); highest among the groups gnomAD compares: South Asian, 0.0011%; no homozygotes.

Submission:

Labcorp Genetics (formerly Invitae), Labcorp
Classification: Uncertain significance for Fanconi anemia. Last evaluated: 2022-05-05. Review status: criteria provided, single submitter. Criteria: Invitae Variant Classification Sherloc (09022015). Collection method: clinical testing. Allele origin: germline.
Comment: This sequence change replaces leucine, which is neutral and non-polar, with valine, which is neutral and non-polar, at codon 1172 of the FANCM protein (p.Leu1172Val). This variant is present in population databases (rs774361836, gnomAD 0.003%). This variant has not been reported in the literature in individuals affected with FANCM-related conditions. ClinVar contains an entry for this variant (Variation ID: 946027). Algorithms developed to predict the effect of missense changes on protein structure and function output the following: SIFT: "Tolerated"; PolyPhen-2: "Benign"; Align-GVGD: "Class C0". The valine amino acid residue is found in multiple mammalian species, which suggests that this missense change does not adversely affect protein function. In summary, the available evidence is currently insufficient to determine the role of this variant in disease. Therefore, it has been classified as a Variant of Uncertain Significance.